The following is an entry in ClinVar:

ClinVar aggregate classification (germline): Uncertain significance. Review status: criteria provided, multiple submitters, no conflicts (2 of 4 stars). 4 submissions from 4 submitters: Uncertain significance (4). Last evaluated 2025-07-31.

Conditions:
Familial cancer of breast. Also called: Hereditary breast cancer; hereditary breast carcinoma; BREAST CANCER, FAMILIAL. Identifiers: Orphanet 227535, MedGen C0346153, MONDO:0016419, OMIM 114480. Disease mechanism: loss of function.
Fanconi anemia complementation group J. Also called: BRIP1-Related Fanconi Anemia. Identifiers: Orphanet 84, MedGen C1836860, MONDO:0012187, OMIM 609054.
Hereditary cancer-predisposing syndrome. Also called: Hereditary Cancer Syndrome; Neoplastic Syndromes, Hereditary; Hereditary neoplastic syndrome; Tumor predisposition. Identifiers: Orphanet 140162, MedGen C0027672, MeSH D009386, MONDO:0015356.

Allele frequency attached by ClinVar (database versions not stated): TOPMed 0.00001.

Submissions (4):

Labcorp Genetics (formerly Invitae), Labcorp
Classification: Uncertain significance for Familial cancer of breast; Fanconi anemia complementation group J. Last evaluated: 2025-07-31. Review status: criteria provided, single submitter. Criteria: Invitae Variant Classification Sherloc (09022015). Collection method: clinical testing. Allele origin: germline.
Comment: This sequence change replaces lysine, which is basic and polar, with glutamic acid, which is acidic and polar, at codon 386 of the BRIP1 protein (p.Lys386Glu). This variant is not present in population databases (gnomAD no frequency). This variant has not been reported in the literature in individuals affected with BRIP1-related conditions. ClinVar contains an entry for this variant (Variation ID: 818437). Invitae Evidence Modeling of protein sequence and biophysical properties (such as structural, functional, and spatial information, amino acid conservation, physicochemical variation, residue mobility, and thermodynamic stability) indicates that this missense variant is not expected to disrupt BRIP1 protein function with a negative predictive value of 95%. In summary, the available evidence is currently insufficient to determine the role of this variant in disease. Therefore, it has been classified as a Variant of Uncertain Significance.

Ambry Genetics
Classification: Uncertain significance for Hereditary cancer-predisposing syndrome. Last evaluated: 2024-03-18. Review status: criteria provided, single submitter. Criteria: Ambry Variant Classification Scheme 2023. Collection method: clinical testing. Allele origin: germline.
Comment: The p.K386E variant (also known as c.1156A>G), located in coding exon 8 of the BRIP1 gene, results from an A to G substitution at nucleotide position 1156. The lysine at codon 386 is replaced by glutamic acid, an amino acid with similar properties. This amino acid position is well conserved in available vertebrate species. In addition, this alteration is predicted to be tolerated by in silico analysis. Since supporting evidence is limited at this time, the clinical significance of this alteration remains unclear.

GeneDx
Classification: Uncertain significance. Last evaluated: 2023-07-10. Review status: criteria provided, single submitter. Criteria: GeneDx Variant Classification Process June 2021. Collection method: clinical testing. Allele origin: germline. Affected: yes.
Comment: Not observed at significant frequency in large population cohorts (gnomAD); In silico analysis supports that this missense variant does not alter protein structure/function; Has not been previously published as pathogenic or benign to our knowledge

Color Diagnostics, LLC DBA Color Health
Classification: Uncertain significance for Hereditary cancer-predisposing syndrome. Last evaluated: 2022-12-27. Review status: criteria provided, single submitter. Criteria: ACMG Guidelines, 2015. Collection method: clinical testing. Allele origin: germline.
Comment: This missense variant replaces lysine with glutamic acid at codon 386 of the BRIP1 protein. Computational prediction suggests that this variant may not impact protein structure and function (internally defined REVEL score threshold <= 0.5, PMID: 27666373). To our knowledge, functional studies have not been reported for this variant. This variant has not been reported in individuals affected with BRIP1-related disorders in the literature. This variant has not been identified in the general population by the Genome Aggregation Database (gnomAD). The available evidence is insufficient to determine the role of this variant in disease conclusively. Therefore, this variant is classified as a Variant of Uncertain Significance.

NM_032043.3(BRIP1):c.1156A>G (p.Lys386Glu)

Gene: BRIP1 (BRCA1 interacting DNA helicase 1; minus strand). Cytogenetic location: 17q23.2.
Variant type: single nucleotide variant.
Coding change: c.1156A>G on transcript NM_032043.3 (MANE Select); coding-DNA position 1156, A replaced by G.
Protein change: p.Lys386Glu; replaces lysine 386 with glutamic acid.
Molecular consequence: missense variant.
Genome position (GRCh38, 1-based): chr17:61,799,284, T>C on the plus strand (A>G on the coding strand, the complement: BRIP1 is on the minus strand). VCF-style: chr17-61799284-T-C. GRCh37 (hg19) VCF-style: chr17-59876645-T-C.
Other names: short protein forms K386E.
Identifiers: ClinVar variation 818437 (VCV000818437.17), dbSNP rs730881635, ClinGen allele CA400483803.